The following is an entry in ClinVar:

NM_004360.5(CDH1):c.1831G>A (p.Val611Ile)

Gene: CDH1 (cadherin 1; plus strand). Cytogenetic location: 16q22.1.
Variant type: single nucleotide variant.
Coding change: c.1831G>A on transcript NM_004360.5 (MANE Select); coding-DNA position 1831, G replaced by A.
Protein change: p.Val611Ile; replaces valine 611 with isoleucine.
Molecular consequence: missense variant. On other transcripts: 5 prime UTR variant (1).
Genome position (GRCh38, 1-based): chr16:68,822,120, G>A. VCF-style: chr16-68822120-G-A. GRCh37 (hg19) VCF-style: chr16-68856023-G-A.
Other names: c.1648G>A, p.Val550Ile (NM_001317184.2); c.283G>A, p.Val95Ile (NM_001317185.2); c.-135G>A (NM_001317186.2); short protein forms V550I, V611I, V95I.
Identifiers: ClinVar variation 3265140 (VCV003265140.3).

ClinVar aggregate classification (germline): Conflicting classifications of pathogenicity. Review status: criteria provided, conflicting classifications (1 of 4 stars). 2 submissions from 2 submitters: Uncertain significance (1); Likely benign (1). Last evaluated 2024-05-01.

Conditions:
Hereditary cancer-predisposing syndrome. Also called: Neoplastic Syndromes, Hereditary; Hereditary neoplastic syndrome; Tumor predisposition; Hereditary Cancer Syndrome. Identifiers: Orphanet 140162, MedGen C0027672, MeSH D009386, MONDO:0015356.
Hereditary diffuse gastric adenocarcinoma (HDGC). Also called: DIFFUSE GASTRIC AND LOBULAR BREAST CANCER SYNDROME. Identifiers: Orphanet 26106, MedGen C1708349, MONDO:0007648, OMIM 137215.

Submissions (2):

Ambry Genetics
Classification: Likely benign for Hereditary cancer-predisposing syndrome. Last evaluated: 2024-05-01. Review status: criteria provided, single submitter. Criteria: Ambry Variant Classification Scheme 2023. Collection method: clinical testing. Allele origin: germline.

Labcorp Genetics (formerly Invitae), Labcorp
Classification: Uncertain significance for Hereditary diffuse gastric adenocarcinoma. Last evaluated: 2024-04-08. Review status: criteria provided, single submitter. Criteria: Invitae Variant Classification Sherloc (09022015). Collection method: clinical testing. Allele origin: germline.
Comment: This sequence change replaces valine, which is neutral and non-polar, with isoleucine, which is neutral and non-polar, at codon 611 of the CDH1 protein (p.Val611Ile). This variant is not present in population databases (gnomAD no frequency). This variant has not been reported in the literature in individuals affected with CDH1-related conditions. Algorithms developed to predict the effect of missense changes on protein structure and function output the following: SIFT: "Not Available"; PolyPhen-2: "Benign"; Align-GVGD: "Not Available". The isoleucine amino acid residue is found in multiple mammalian species, which suggests that this missense change does not adversely affect protein function. In summary, the available evidence is currently insufficient to determine the role of this variant in disease. Therefore, it has been classified as a Variant of Uncertain Significance.